The following is an entry in ClinVar:

NM_198129.4(LAMA3):c.7051C>T (p.Arg2351Cys)

Gene: LAMA3 (laminin subunit alpha 3; plus strand). Cytogenetic location: 18q11.2.
Variant type: single nucleotide variant.
Coding change: c.7051C>T on transcript NM_198129.4 (MANE Select); coding-DNA position 7051, C replaced by T.
Protein change: p.Arg2351Cys; replaces arginine 2351 with cysteine.
Molecular consequence: missense variant.
Genome position (GRCh38, 1-based): chr18:23,909,188, C>T. VCF-style: chr18-23909188-C-T. GRCh37 (hg19) VCF-style: chr18-21489152-C-T.
Other names: c.2224C>T, p.Arg742Cys (NM_000227.6); c.6883C>T, p.Arg2295Cys (NM_001127717.4); c.2056C>T, p.Arg686Cys (NM_001127718.4); short protein forms R2295C, R2351C, R686C, R742C.
Identifiers: ClinVar variation 1302577 (VCV001302577.4), dbSNP rs776467789, ClinGen allele CA8916545.

ClinVar aggregate classification (germline): Uncertain significance. Review status: criteria provided, multiple submitters, no conflicts (2 of 4 stars). 2 submissions from 2 submitters: Uncertain significance (2). Last evaluated 2025-12-11.

Conditions:
Inborn genetic diseases. Identifiers: MedGen C0950123, MeSH D030342.

Allele frequency attached by ClinVar (database versions not stated): gnomAD 0.00001; gnomAD exomes 0.00002; ExAC 0.00001; TOPMed 0.00005.
gnomAD v4.1: 26 of 1,613,782 alleles (0.0016%); highest among the groups gnomAD compares: Admixed American, 0.01%; no homozygotes.

Submissions (2):

Ambry Genetics
Classification: Uncertain significance for Inborn genetic diseases. Last evaluated: 2025-12-11. Review status: criteria provided, single submitter. Criteria: Ambry Variant Classification Scheme 2023. Collection method: clinical testing. Allele origin: germline.

GeneDx
Classification: Uncertain significance. Last evaluated: 2024-08-30. Review status: criteria provided, single submitter. Criteria: GeneDx Variant Classification Process June 2021. Collection method: clinical testing. Allele origin: germline. Affected: yes.
Comment: In silico analysis indicates that this missense variant does not alter protein structure/function; Has not been previously published as pathogenic or benign to our knowledge